The following is an entry in ClinVar:

NM_001267550.2(TTN):c.105919G>A (p.Val35307Ile)

Genes: TTN-AS1 (TTN antisense RNA 1; plus strand), TTN (titin; minus strand), LOC129935183 (ATAC-STARR-seq lymphoblastoid active region 16808; plus strand). Cytogenetic location: 2q31.2.
Variant type: single nucleotide variant.
Coding change: c.105919G>A on transcript NM_001267550.2 (MANE Select); coding-DNA position 105919, G replaced by A.
Protein change: p.Val35307Ile; replaces valine 35307 with isoleucine.
Molecular consequence: missense variant.
Genome position (GRCh38, 1-based): chr2:178,530,696, C>T on the plus strand (G>A on the coding strand, the complement: TTN is on the minus strand). VCF-style: chr2-178530696-C-T. GRCh37 (hg19) VCF-style: chr2-179395423-C-T.
Other names: c.100996G>A, p.Val33666Ile (NM_001256850.1); c.78724G>A, p.Val26242Ile (NM_003319.4); c.98215G>A, p.Val32739Ile (NM_133378.4); c.79099G>A, p.Val26367Ile (NM_133432.3); c.79300G>A, p.Val26434Ile (NM_133437.4); short protein forms V26242I, V32739I, V33666I, V26367I, V26434I, V35307I.
Identifiers: ClinVar variation 4794026 (VCV004794026.1).
Genomic context (GRCh38, chr2:178,530,696, plus strand): 5'-TCAGTTTCTTGCCATCTTTATACCAGGTGACCTCTTTTGCCCTTAATACACTGCTTTCAA[C>T]CACACAGGTCAGTTTTGCAATCTCTTTAGAAGCTTCTGCTTTCAGGAACTGAGTAATCTT-3'
Protein context (NP_001254479.2, residues 35297-35317): SKEIAKLTCV[Val35307Ile]ESSVLRAKEV

ClinVar aggregate classification (germline): Uncertain significance (1 of 4 stars; one submission).

Conditions:
Autosomal recessive limb-girdle muscular dystrophy type 2J (LGMDR10). Also called: MUSCULAR DYSTROPHY, LIMB-GIRDLE, AUTOSOMAL RECESSIVE 10; Limb-girdle muscular dystrophy, type 2J. Identifiers: Orphanet 140922, MedGen C1837342, MONDO:0012127, OMIM 608807.
Dilated cardiomyopathy 1G (CMD1G). Identifiers: Orphanet 154, MedGen C1858763, MONDO:0011400, OMIM 604145.

Submission:

Labcorp Genetics (formerly Invitae), Labcorp
Classification: Uncertain significance for Dilated cardiomyopathy 1G; Autosomal recessive limb-girdle muscular dystrophy type 2J. Last evaluated: 2025-12-11. Review status: criteria provided, single submitter. Criteria: Invitae Variant Classification Sherloc (09022015). Collection method: clinical testing. Allele origin: germline.
Comment: This sequence change replaces valine, which is neutral and non-polar, with isoleucine, which is neutral and non-polar, at codon 35307 of the TTN protein (p.Val35307Ile). This variant is not present in population databases (gnomAD no frequency). This variant has not been reported in the literature in individuals affected with TTN-related conditions. Experimental studies and prediction algorithms are not available or were not evaluated, and the functional significance of this variant is currently unknown. This variant is located in the M band of TTN (PMID: 25589632). Non-truncating variants in this region may be relevant for neuromuscular disorders, but have not been definitively shown to cause cardiomyopathy (PMID: 23975875). In summary, the available evidence is currently insufficient to determine the role of this variant in disease. Therefore, it has been classified as a Variant of Uncertain Significance.

Literature cited by the submitters: PubMed 25589632; PubMed 23975875.